The following is an entry in ClinVar:

NM_001267727.2(ARSG):c.1316C>T (p.Ala439Val)

Genes: ARSG (arylsulfatase G; plus strand), PRKAR1A (protein kinase cAMP-dependent type I regulatory subunit alpha; plus strand). Cytogenetic location: 17q24.2.
Variant type: single nucleotide variant.
Coding change: c.1316C>T on transcript NM_001267727.2 (MANE Select); coding-DNA position 1316, C replaced by T.
Protein change: p.Ala439Val; replaces alanine 439 with valine.
Molecular consequence: missense variant. On other transcripts: intron variant (3).
Genome position (GRCh38, 1-based): chr17:68,420,201, C>T. VCF-style: chr17-68420201-C-T. GRCh37 (hg19) VCF-style: chr17-66416342-C-T.
Other names: c.1316C>T, p.Ala439Val (NM_001352899.2, NM_001352900.2, NM_001352901.2 and 2 more transcripts); c.1313C>T, p.Ala438Val (NM_001352903.2, NM_001352904.2, NM_001352905.2 and 2 more transcripts); c.1303+18751C>T (NM_001352910.2); c.1255+18751C>T (NM_001352909.2); c.-7+6406C>T (NM_001278433.2); short protein forms A438V, A439V.
Identifiers: ClinVar variation 2088892 (VCV002088892.1), dbSNP rs769238862, ClinGen allele CA400748850.

ClinVar aggregate classification (germline): Uncertain significance (1 of 4 stars; one submission).

Allele frequency attached by ClinVar (database versions not stated): TOPMed below 0.00001.
gnomAD v4.1: 1 of 1,613,918 alleles (0.000062%); highest among the groups gnomAD compares: Non-Finnish European, 0.000085%; no homozygotes.

Submission:

Labcorp Genetics (formerly Invitae), Labcorp
Classification: Uncertain significance. Last evaluated: 2022-01-21. Review status: criteria provided, single submitter. Criteria: Invitae Variant Classification Sherloc (09022015). Collection method: clinical testing. Allele origin: germline.
Comment: This sequence change replaces alanine, which is neutral and non-polar, with valine, which is neutral and non-polar, at codon 439 of the ARSG protein (p.Ala439Val). This variant is not present in population databases (gnomAD no frequency). This variant has not been reported in the literature in individuals affected with ARSG-related conditions. Algorithms developed to predict the effect of missense changes on protein structure and function are either unavailable or do not agree on the potential impact of this missense change (SIFT: "Tolerated"; PolyPhen-2: "Probably Damaging"; Align-GVGD: "Class C0"). Algorithms developed to predict the effect of sequence changes on RNA splicing suggest that this variant may create or strengthen a splice site. In summary, the available evidence is currently insufficient to determine the role of this variant in disease. Therefore, it has been classified as a Variant of Uncertain Significance.